The following is an entry in ClinVar:

NM_006554.5(MTX2):c.573A>G (p.Gln191=)

Gene: MTX2 (metaxin 2; plus strand). Cytogenetic location: 2q31.1.
Variant type: single nucleotide variant.
Coding change: c.573A>G on transcript NM_006554.5 (MANE Select); coding-DNA position 573, A replaced by G.
Protein change: p.Gln191=; no amino-acid change (glutamine 191 retained).
Molecular consequence: synonymous variant. On other transcripts: intron variant (1).
Genome position (GRCh38, 1-based): chr2:176,330,613, A>G. VCF-style: chr2-176330613-A-G. GRCh37 (hg19) VCF-style: chr2-177195341-A-G.
Other names: c.543A>G, p.Gln181= (NM_001006635.3); c.504A>G, p.Gln168= (NM_001319097.2); c.543+1187A>G (NM_001319098.2).
Identifiers: ClinVar variation 2651565 (VCV002651565.24), dbSNP rs74492834, ClinGen allele CA1979145.

ClinVar aggregate classification (germline): Benign (1 of 4 stars; one submission).

Allele frequency attached by ClinVar (database versions not stated): 1000 Genomes Project 30x 0.00250; 1000 Genomes Project 0.00280; TOPMed 0.00627; ExAC 0.00683; gnomAD 0.00687; ESP Exome Variant Server 0.00884.
gnomAD v4.1: 14,649 of 1,594,952 alleles (0.92%); highest among the groups gnomAD compares: Non-Finnish European, 1.1%; 97 homozygotes.

Submission:

CeGaT Center for Human Genetics Tuebingen
Classification: Benign. Last evaluated: 2022-07-01. Review status: criteria provided, single submitter. Criteria: CeGaT Center For Human Genetics Tuebingen Variant Classification Criteria Version 2. Collection method: clinical testing. Allele origin: germline. Affected: yes. Observed: 1 variant allele.
Comment: MTX2: BP4, BP7, BS1, BS2